The following is an entry in ClinVar:

NM_032315.3(SLC25A33):c.801G>A (p.Lys267=)

Gene: SLC25A33 (solute carrier family 25 member 33; plus strand). Cytogenetic location: 1p36.22.
Variant type: single nucleotide variant.
Coding change: c.801G>A on transcript NM_032315.3 (MANE Select); coding-DNA position 801, G replaced by A.
Protein change: p.Lys267=; no amino-acid change (lysine 267 retained).
Molecular consequence: synonymous variant.
Genome position (GRCh38, 1-based): chr1:9,582,336, G>A. VCF-style: chr1-9582336-G-A. GRCh37 (hg19) VCF-style: chr1-9642394-G-A.
Identifiers: ClinVar variation 3050590 (VCV003050590.2), dbSNP rs147939748, ClinGen allele CA576037.

ClinVar aggregate classification (germline): Likely benign (0 of 4 stars; one submission).

Conditions:
SLC25A33-related disorder. Also called: SLC25A33-related condition.

Allele frequency attached by ClinVar (database versions not stated): gnomAD exomes 0.00009; ExAC 0.00029; 1000 Genomes Project 0.00060; 1000 Genomes Project 30x 0.00078; TOPMed 0.00085; gnomAD 0.00091; ESP Exome Variant Server 0.00115.
gnomAD v4.1: 280 of 1,613,996 alleles (0.017%); highest among the groups gnomAD compares: African/African-American, 0.32%; no homozygotes.

Submission:

PreventionGenetics, part of Exact Sciences
Classification: Likely benign for SLC25A33-related condition. Last evaluated: 2019-12-20. Review status: no assertion criteria provided. Collection method: clinical testing. Allele origin: germline.
Comment: This variant is classified as likely benign based on ACMG/AMP sequence variant interpretation guidelines (Richards et al. 2015 PMID: 25741868, with internal and published modifications).